The following is an entry in ClinVar:

NM_024426.6(WT1):c.88C>A (p.Leu30Ile)

Genes: WT1 (WT1 transcription factor; minus strand), LOC107982234 (WT1/WT1-AS bi-directional promoter region; plus strand). Cytogenetic location: 11p13.
Variant type: single nucleotide variant.
Coding change: c.88C>A on transcript NM_024426.6 (MANE Select); coding-DNA position 88, C replaced by A.
Protein change: p.Leu30Ile; replaces leucine 30 with isoleucine.
Molecular consequence: missense variant. On other transcripts: 5 prime UTR variant (4), non-coding transcript variant (2).
Genome position (GRCh38, 1-based): chr11:32,435,273, G>T on the plus strand (C>A on the coding strand, the complement: WT1 is on the minus strand). VCF-style: chr11-32435273-G-T. GRCh37 (hg19) VCF-style: chr11-32456819-G-T.
Other names: c.88C>A, p.Leu30Ile (NM_000378.6, NM_001407044.1, NM_001407045.1 and 6 more transcripts); c.-132C>A (NM_001429031.1, NM_001429032.1, NM_001429033.1 and 1 more transcripts); short protein forms L30I, L25I.
Identifiers: ClinVar variation 4843802 (VCV004843802.1).

ClinVar aggregate classification (germline): Uncertain significance (1 of 4 stars; one submission).

Conditions:
Inborn genetic diseases. Identifiers: MedGen C0950123, MeSH D030342.

Submission:

Ambry Genetics
Classification: Uncertain significance for Inborn genetic diseases. Last evaluated: 2025-12-23. Review status: criteria provided, single submitter. Criteria: Ambry Variant Classification Scheme 2023. Collection method: clinical testing. Allele origin: germline.
Comment: The p.L25I variant (also known as c.73C>A), located in coding exon 1 of the WT1 gene, results from a C to A substitution at nucleotide position 73. The leucine at codon 25 is replaced by isoleucine, an amino acid with highly similar properties. This amino acid position is conserved. In addition, this alteration is predicted to be tolerated by in silico analysis. Based on the available evidence, the clinical significance of this variant remains unclear.